The following is an entry in ClinVar:

ClinVar aggregate classification (germline): Pathogenic (1 of 4 stars; one submission).

Submission:

Labcorp Genetics (formerly Invitae), Labcorp
Classification: Pathogenic. Last evaluated: 2023-12-13. Review status: criteria provided, single submitter. Criteria: Invitae Variant Classification Sherloc (09022015). Collection method: clinical testing. Allele origin: germline.
Comment: This sequence change creates a premature translational stop signal (p.Ala164Glnfs*4) in the MED17 gene. It is expected to result in an absent or disrupted protein product. Loss-of-function variants in MED17 are known to be pathogenic (PMID: 20950787, 26004231, 30345598). This variant is not present in population databases (gnomAD no frequency). This variant has not been reported in the literature in individuals affected with MED17-related conditions. ClinVar contains an entry for this variant (Variation ID: 1996383). For these reasons, this variant has been classified as Pathogenic.

Literature cited by the submitters: PubMed 20950787; PubMed 26004231; PubMed 30345598.

NM_004268.5(MED17):c.490del (p.Ala164fs)

Gene: MED17 (mediator complex subunit 17; plus strand). Cytogenetic location: 11q21.
Variant type: Deletion.
Coding change: c.490del on transcript NM_004268.5 (MANE Select); coding-DNA position 490, one base deleted (G; older notation c.490delG).
Protein change: p.Ala164fs; shifts the reading frame from alanine 164.
Molecular consequence: frameshift variant.
Genome position (GRCh38, 1-based): chr11:93,790,646, G deleted; the last of 5 consecutive G bases (chr11:93,790,642-93,790,646); deleting any one gives the same sequence. VCF-style (leftmost placement, unchanged base first): chr11-93790641-AG-A. GRCh37 (hg19) VCF-style: chr11-93523807-AG-A.
Other names: short protein forms A164fs.
Identifiers: ClinVar variation 1996383 (VCV001996383.4), dbSNP rs2497522237, ClinGen allele CA2580085047.